The following is an entry in ClinVar:

NM_001369268.1(ACAN):c.7061-14_7061-13delinsTG

Gene: ACAN (aggrecan; plus strand). Cytogenetic location: 15q26.1.
Variant type: Indel.
Coding change: c.7061-14_7061-13delinsTG on transcript NM_001369268.1 (MANE Select); 14 bases into the intron before coding-DNA position 7061 through 13 bases into the intron before coding-DNA position 7061, GA replaced by TG.
Molecular consequence: intron variant.
Genome position (GRCh38, 1-based): chr15:88,871,368-88,871,369, GA replaced by TG. VCF-style: chr15-88871368-GA-TG. GRCh37 (hg19) VCF-style: chr15-89414599-GA-TG.
Other names: c.6947-14_6947-13delinsTG (NM_013227.4, NM_001411097.1); c.6833-14_6833-13delinsTG (NM_001411096.1, NM_001135.4).
Identifiers: ClinVar variation 4774911 (VCV004774911.1).
Genomic context (GRCh38, chr15:88,871,368, plus strand): 5'-CCATAAGACTGGCAGCATCTGCCATCCCCTGGTGGCCTCTGCCCCTCCCTTCAAGCCCCT[GA>TG]CCTGTGTTGCAGACCAGGAGGTATGTGAGGAGGGCTGGAACAAGTACCAGGGCCACTGTT-3'

ClinVar aggregate classification (germline): Uncertain significance (1 of 4 stars; one submission).

Submission:

Labcorp Genetics (formerly Invitae), Labcorp
Classification: Uncertain significance. Last evaluated: 2025-11-26. Review status: criteria provided, single submitter. Criteria: Invitae Variant Classification Sherloc (09022015). Collection method: clinical testing. Allele origin: germline.
Comment: This sequence change falls in intron 13 of the ACAN gene. It does not directly change the encoded amino acid sequence of the ACAN protein. Information on the frequency of this variant in the gnomAD database is not available, as this variant may be reported differently in the database. This variant has not been reported in the literature in individuals affected with ACAN-related conditions. In summary, the available evidence is currently insufficient to determine the role of this variant in disease. Therefore, it has been classified as a Variant of Uncertain Significance.